The following is an entry in ClinVar:

ClinVar aggregate classification (germline): Uncertain significance (1 of 4 stars; one submission).

Allele frequency attached by ClinVar (database versions not stated): ExAC 0.00002; gnomAD 0.00002; 1000 Genomes Project 30x 0.00016; 1000 Genomes Project 0.00020.

Submission:

Labcorp Genetics (formerly Invitae), Labcorp
Classification: Uncertain significance. Last evaluated: 2022-03-08. Review status: criteria provided, single submitter. Criteria: Invitae Variant Classification Sherloc (09022015). Collection method: clinical testing. Allele origin: germline.
Comment: In summary, the available evidence is currently insufficient to determine the role of this variant in disease. Therefore, it has been classified as a Variant of Uncertain Significance. Algorithms developed to predict the effect of missense changes on protein structure and function (SIFT, PolyPhen-2, Align-GVGD) all suggest that this variant is likely to be disruptive. This variant has not been reported in the literature in individuals affected with TOE1-related conditions. This variant is present in population databases (rs192575433, gnomAD 0.02%). This sequence change replaces arginine, which is basic and polar, with histidine, which is basic and polar, at codon 284 of the TOE1 protein (p.Arg284His).

NM_025077.4(TOE1):c.851G>A (p.Arg284His)

Gene: TOE1 (target of EGR1, exonuclease; plus strand). Cytogenetic location: 1p34.1.
Variant type: single nucleotide variant.
Coding change: c.851G>A on transcript NM_025077.4 (MANE Select); coding-DNA position 851, G replaced by A.
Protein change: p.Arg284His; replaces arginine 284 with histidine.
Molecular consequence: missense variant.
Genome position (GRCh38, 1-based): chr1:45,342,941, G>A. VCF-style: chr1-45342941-G-A. GRCh37 (hg19) VCF-style: chr1-45808613-G-A.
Other names: short protein forms R284H.
Identifiers: ClinVar variation 1968944 (VCV001968944.5), dbSNP rs192575433, ClinGen allele CA826696.